The following is an entry in ClinVar:

ClinVar aggregate classification (germline): Benign. Review status: criteria provided, single submitter (1 of 4 stars). 2 submissions from 2 submitters: Benign (1). 1 of the submissions does not count toward it. Last evaluated 2022-08-11.

Conditions:
ARID1A-related disorder. Also called: ARID1A-related condition.

Allele frequency attached by ClinVar (database versions not stated): TOPMed below 0.00001; ExAC 0.00002; gnomAD 0.00002; gnomAD exomes 0.00003; 1000 Genomes Project 30x 0.00047; 1000 Genomes Project 0.00060.
gnomAD v4.1: 46 of 1,614,184 alleles (0.0028%); highest among the groups gnomAD compares: South Asian, 0.047%; no homozygotes.

Submissions (2):

Labcorp Genetics (formerly Invitae), Labcorp
Classification: Benign. Last evaluated: 2022-08-11. Review status: criteria provided, single submitter. Criteria: Invitae Variant Classification Sherloc (09022015). Collection method: clinical testing. Allele origin: germline.

PreventionGenetics, part of Exact Sciences
Classification: Likely benign for ARID1A-related condition. Last evaluated: 2023-09-05. Review status: no assertion criteria provided. Collection method: clinical testing. Allele origin: germline. Not counted in ClinVar's aggregate classification.
Comment: This variant is classified as likely benign based on ACMG/AMP sequence variant interpretation guidelines (Richards et al. 2015 PMID: 25741868, with internal and published modifications).

NM_006015.6(ARID1A):c.2328T>C (p.Pro776=)

Gene: ARID1A (AT-rich interaction domain 1A; plus strand). Cytogenetic location: 1p36.11.
Variant type: single nucleotide variant.
Coding change: c.2328T>C on transcript NM_006015.6 (MANE Select); coding-DNA position 2328, T replaced by C.
Protein change: p.Pro776=; no amino-acid change (proline 776 retained).
Molecular consequence: synonymous variant.
Genome position (GRCh38, 1-based): chr1:26,762,228, T>C. VCF-style: chr1-26762228-T-C. GRCh37 (hg19) VCF-style: chr1-27088719-T-C.
Other names: c.2328T>C, p.Pro776= (NM_139135.4).
Identifiers: ClinVar variation 2155226 (VCV002155226.6), dbSNP rs564495050, ClinGen allele CA706975.